The following is an entry in ClinVar:

NM_015692.5(CPAMD8):c.5091_5101dup (p.Pro1701fs)

Gene: CPAMD8 (C3 and PZP like alpha-2-macroglobulin domain containing 8; minus strand). Cytogenetic location: 19p13.11.
Variant type: Duplication.
Coding change: c.5091_5101dup on transcript NM_015692.5 (MANE Select); coding-DNA positions 5091 to 5101, 11 bases duplicated (TGCCGTGGCCC).
Protein change: p.Pro1701fs; shifts the reading frame from proline 1701.
Molecular consequence: frameshift variant.
Genome position (GRCh38, 1-based): chr19:16,896,630-16,896,640, GGGCCACGGCA duplicated on the plus strand (TGCCGTGGCCC on the coding strand, the reverse complement: CPAMD8 is on the minus strand); duplicating any 11 consecutive bases within chr19:16,896,630-16,896,645 gives the same sequence; the c. name uses the placement nearest the transcript's 3' end. VCF-style (leftmost placement, unchanged base first): chr19-16896629-G-GGGGCCACGGCA. GRCh37 (hg19) VCF-style: chr19-17007440-G-GGGGCCACGGCA.
Other names: short protein forms P1701fs.
Identifiers: ClinVar variation 5005951 (VCV005005951.2).
Genomic context (GRCh38, chr19:16,896,629, plus strand): 5'-TTCCCCTGGGCGCCGCAGTCGTGGTCGCAGCCGCATCGCGCGATCGCCGCCCCCTCCTCA[G>GGGGCCACGGCA]GGGCCACGGCAGGGCCCGACTCGCCGGGGAACCAGCCTGGGGGACGAGGCAGGCTCGACA-3'

ClinVar aggregate classification (germline): Likely pathogenic (1 of 4 stars; one submission).

Conditions:
Anterior segment dysgenesis 8 (ASGD8). Identifiers: Orphanet 519388, MedGen C4310622, MONDO:0015017, OMIM 617319.

Submission:

Juno Genomics, Hangzhou Juno Genomics, Inc
Classification: Likely pathogenic for Anterior segment dysgenesis 8. Review status: criteria provided, single submitter. Criteria: ACMG Guidelines, 2015. Collection method: clinical testing. Allele origin: germline.
Comment: Null variant in a gene where loss of function (LOF) is a known mechanism of disease.;Absent from controls (or at extremely low frequency if recessive) in Genome Aggregation Database.